The following is an entry in ClinVar:

ClinVar aggregate classification (germline): Conflicting classifications of pathogenicity. Review status: criteria provided, conflicting classifications (1 of 4 stars). 6 submissions from 6 submitters: Pathogenic (3); Likely pathogenic (2); Uncertain significance (1). Last evaluated 2025-12-27.

Conditions:
WFS1-related disorder. Identifiers: MedGen CN379391, MONDO:0700293.
Rare genetic deafness. Identifiers: Orphanet 96210, MedGen C5680250.
Monogenic diabetes. Identifiers: Orphanet 183625, MedGen C3888631, MONDO:0015967.
Wolfram-like syndrome. Also called: HEARING LOSS, PROGRESSIVE, WITH OPTIC ATROPHY AND/OR IMPAIRED GLUCOSE REGULATION. Identifiers: Orphanet 411590, MedGen C3280358, MONDO:0013673, OMIM 614296.
Type 2 diabetes mellitus. Also called: Type II diabetes mellitus. Identifiers: MedGen C0011860, MeSH D003924, MONDO:0005148, OMIM 125853, HP:0005978.
Autosomal dominant nonsyndromic hearing loss 6 (LFSNHL). Also called: Autosomal dominant nonsyndromic deafness 6; DEAFNESS, AUTOSOMAL DOMINANT 14; DEAFNESS, AUTOSOMAL DOMINANT 38; DEAFNESS, AUTOSOMAL DOMINANT 6. Identifiers: Orphanet 90635, MedGen C1833021, MONDO:0010963, OMIM 600965.
Wolfram syndrome 1 (WFS1). Identifiers: Orphanet 3463, MedGen C4551693, MONDO:0009101, OMIM 222300.
Cataract 41 (CTRCT41). Also called: CATARACT 41, CONGENITAL NUCLEAR TYPE. Identifiers: Orphanet 91492, Orphanet 98991, Orphanet 98992, Orphanet 98995, MedGen C3805412, MONDO:0007287, OMIM 116400.

Submissions (6):

Labcorp Genetics (formerly Invitae), Labcorp
Classification: Pathogenic. Last evaluated: 2025-12-27. Review status: criteria provided, single submitter. Criteria: Invitae Variant Classification Sherloc (09022015). Collection method: clinical testing. Allele origin: germline.
Comment: This variant, c.1060_1062del, results in the deletion of 1 amino acid(s) of the WFS1 protein (p.Phe354del), but otherwise preserves the integrity of the reading frame. This variant is present in population databases (rs752154032, gnomAD 0.006%). This variant has been observed in individual(s) with autosomal recessive Wolfram syndrome (PMID: 10521293, 17568405, 22238590). In at least one individual the data is consistent with being in trans (on the opposite chromosome) from a pathogenic variant. ClinVar contains an entry for this variant (Variation ID: 228420). For these reasons, this variant has been classified as Pathogenic.

Blueprint Genetics
Classification: Likely pathogenic for WFS1-related disorders. Last evaluated: 2023-11-28. Review status: criteria provided, single submitter. Criteria: ACMG Guidelines, 2015. Collection method: clinical testing. Allele origin: germline. Affected: yes. Observed: 1 variant allele.

Department of Pathology and Laboratory Medicine, Sinai Health System
Classification: Likely pathogenic for Cataract 41; Type 2 diabetes mellitus; Wolfram syndrome 1; Autosomal dominant nonsyndromic hearing loss 6; Wolfram-like syndrome. Last evaluated: 2021-07-30. Review status: criteria provided, single submitter. Criteria: ACMG Guidelines, 2015. Collection method: research. Allele origin: germline.

Personalized Diabetes Medicine Program, University of Maryland School of Medicine
Classification: Uncertain significance for Monogenic diabetes. Last evaluated: 2018-01-09. Review status: criteria provided, single submitter. Criteria: ACMG Guidelines, 2015. Collection method: research. Allele origin: unknown. Observed: 1 variant allele, 1 heterozygote.
Comment: ACMG criteria: PM4 (nonframeshift), PS4(mod) [Aloi 2012 PMID:22238590 (in trans with nonsense variant), Chaussenot 2015 PMID:24890733 (cmpd het with missense), Gasparin 2009, Gomez-Zaera 2001, Hardy 1999 PMID:10521293), PP5 (Emory) = VUS for Monogenic diabetes. For WFS, ACMG criteria: PM2 (few in database for AR disorder, 3 copies in ExAC), PM4 (nonframeshift), PS4 [Aloi 2012 PMID:22238590 (in trans with nonsense variant), Chaussenot 2015 PMID:24890733 (cmpd het with missense), Gasparin 2009, Gomez-Zaera 2001, Hardy 1999 PMID:10521293), PP5 (Emory); PM3 (in trans with pathogenic variant (PVS1, PM2, PP3 = Pathogenic), PMID:22238590)=pathogenic for WFS/carrier status.

Eurofins Ntd Llc (ga)
Classification: Pathogenic. Last evaluated: 2016-06-21. Review status: criteria provided, single submitter. Criteria: EGL Classification Definitions 2015. Collection method: clinical testing. Allele origin: germline. Observed: 1 variant allele, 1 heterozygote.

Laboratory for Molecular Medicine, Mass General Brigham Personalized Medicine
Classification: Pathogenic for Rare genetic deafness. Last evaluated: 2016-01-27. Review status: criteria provided, single submitter. Criteria: LMM Criteria. Collection method: clinical testing. Allele origin: germline. Inheritance: Autosomal recessive inheritance. Observed: 1 variant allele.
Comment: The p.Phe354del variant in WFS1 has been previously reported in at least 5 proba nds with Wolfram syndrome, 3 of whom were compound heterozygous with a truncatin g variant on the remaining copy of WFS1 (Aloi 2012, Chaussenot 2015, Gasparin 20 09, Gomez-Zaera 2001, Hardy 1999). This variant was absent from large populatio n studies. The variant is an in-frame deletion of three nucleotides that result s in the deletion of a phenylalanine (Phe) at position 354. In summary, this var iant meets our criteria to be classified as pathogenic for autosomal recessive W olfram syndrome based on the previous reports.

Literature cited by the submitters: PubMed 10521293 (cited by 3 submitters); PubMed 17568405 (cited by Labcorp Genetics (formerly Invitae), Labcorp); PubMed 22238590 (cited by 3 submitters); PubMed 24890733 (cited by Personalized Diabetes Medicine Program, University of Maryland School of Medicine and Laboratory for Molecular Medicine, Mass General Brigham Personalized Medicine); PubMed 11161832 (cited by Laboratory for Molecular Medicine, Mass General Brigham Personalized Medicine); PubMed 19042979 (cited by Laboratory for Molecular Medicine, Mass General Brigham Personalized Medicine).

NM_006005.3(WFS1):c.1060_1062del (p.Phe354del)

Gene: WFS1 (wolframin ER transmembrane glycoprotein; plus strand). Cytogenetic location: 4p16.1.
Variant type: Deletion.
Coding change: c.1060_1062del on transcript NM_006005.3 (MANE Select); coding-DNA positions 1060 to 1062, 3 bases deleted (TTC; older notation c.1060_1062delTTC).
Protein change: p.Phe354del; deletes phenylalanine 354.
Molecular consequence: inframe deletion.
Genome position (GRCh38, 1-based): chr4:6,300,855-6,300,857, TTC deleted; deleting any 3 consecutive bases within chr4:6,300,854-6,300,857 gives the same sequence; the c. name uses the placement nearest the transcript's 3' end. VCF-style (leftmost placement, unchanged base first): chr4-6300853-CCTT-C. GRCh37 (hg19) VCF-style: chr4-6302580-CCTT-C.
Other names: c.1060_1062delTTC (NM_006005.3); c.1060_1062del, p.Phe354del (NM_001145853.1); short protein forms F354del.
Identifiers: ClinVar variation 228420 (VCV000228420.16), dbSNP rs876657735, ClinGen allele CA2839205.